The following is an entry in ClinVar:

ClinVar aggregate classification (germline): Uncertain significance. Review status: criteria provided, multiple submitters, no conflicts (2 of 4 stars). 2 submissions from 2 submitters: Uncertain significance (2). Last evaluated 2022-07-19.

Conditions:
Very long chain acyl-CoA dehydrogenase deficiency (ACADVLD). Also called: Very Long-Chain Acyl-Coenzyme A Dehydrogenase Deficiency; VLCAD Deficiency. Identifiers: Orphanet 26793, MedGen C3887523, MONDO:0008723, OMIM 201475.

Submissions (2):

Labcorp Genetics (formerly Invitae), Labcorp
Classification: Uncertain significance for Very long chain acyl-CoA dehydrogenase deficiency. Last evaluated: 2022-07-19. Review status: criteria provided, single submitter. Criteria: Invitae Variant Classification Sherloc (09022015). Collection method: clinical testing. Allele origin: germline.
Comment: This sequence change replaces arginine, which is basic and polar, with proline, which is neutral and non-polar, at codon 644 of the ACADVL protein (p.Arg644Pro). This variant is not present in population databases (gnomAD no frequency). This variant has not been reported in the literature in individuals affected with ACADVL-related conditions. ClinVar contains an entry for this variant (Variation ID: 932783). Advanced modeling of protein sequence and biophysical properties (such as structural, functional, and spatial information, amino acid conservation, physicochemical variation, residue mobility, and thermodynamic stability) performed at Invitae indicates that this missense variant is expected to disrupt ACADVL protein function. In summary, the available evidence is currently insufficient to determine the role of this variant in disease. Therefore, it has been classified as a Variant of Uncertain Significance.

Wong Mito Lab, Molecular and Human Genetics, Baylor College of Medicine
Classification: Uncertain significance for Very long chain acyl-CoA dehydrogenase deficiency. Last evaluated: 2019-11-01. Review status: criteria provided, single submitter. Criteria: ACMG Guidelines, 2015. Collection method: clinical testing. Allele origin: germline.
Comment: The NM_000018.3:c.1931G>C (NP_000009.1:p.Arg644Pro) [GRCH38: NC_000017.11:g.7225060G>C] variant in ACADVL gene is interpretated to be Uncertain Significance based on ACMG guidelines (PMID: 25741868). This variant has been reported. This variant meets the following evidence codes reported in the ACMG guidelines: PM1, PM3, PP4, BP4

NM_000018.4(ACADVL):c.1931G>C (p.Arg644Pro)

Gene: ACADVL (acyl-CoA dehydrogenase very long chain; plus strand). Cytogenetic location: 17p13.1.
Variant type: single nucleotide variant.
Coding change: c.1931G>C on transcript NM_000018.4 (MANE Select); coding-DNA position 1931, G replaced by C.
Protein change: p.Arg644Pro; replaces arginine 644 with proline.
Molecular consequence: missense variant.
Genome position (GRCh38, 1-based): chr17:7,225,060, G>C. VCF-style: chr17-7225060-G-C. GRCh37 (hg19) VCF-style: chr17-7128379-G-C.
Other names: c.1865G>C, p.Arg622Pro (NM_001033859.3); c.2000G>C, p.Arg667Pro (NM_001270447.2); c.1703G>C, p.Arg568Pro (NM_001270448.2); short protein forms R622P, R568P, R644P, R667P.
Identifiers: ClinVar variation 932783 (VCV000932783.5), dbSNP rs774762384, ClinGen allele CA397726204.